The following is an entry in ClinVar:

NM_004836.7(EIF2AK3):c.1216_1217del (p.Lys406fs)

Gene: EIF2AK3 (eukaryotic translation initiation factor 2 alpha kinase 3; minus strand). Cytogenetic location: 2p11.2.
Variant type: Deletion.
Coding change: c.1216_1217del on transcript NM_004836.7 (MANE Select); coding-DNA positions 1216 to 1217, 2 bases deleted (AA; older notation c.1216_1217delAA).
Protein change: p.Lys406fs; shifts the reading frame from lysine 406.
Molecular consequence: frameshift variant.
Genome position (GRCh38, 1-based): chr2:88,588,850-88,588,851, TT deleted on the plus strand (AA on the coding strand, the reverse complement: EIF2AK3 is on the minus strand); deleting any 2 consecutive bases within chr2:88,588,850-88,588,853 gives the same sequence; the c. name uses the placement nearest the transcript's 3' end. VCF-style (leftmost placement, unchanged base first): chr2-88588849-CTT-C. GRCh37 (hg19) VCF-style: chr2-88888367-CTT-C.
Other names: c.763_764del, p.Lys255fs (NM_001313915.2); short protein forms K255fs, K406fs.
Identifiers: ClinVar variation 2734341 (VCV002734341.3), dbSNP rs2529165633, ClinGen allele CA2697548352.

ClinVar aggregate classification (germline): Pathogenic (1 of 4 stars; one submission).

Submission:

Labcorp Genetics (formerly Invitae), Labcorp
Classification: Pathogenic. Last evaluated: 2023-06-30. Review status: criteria provided, single submitter. Criteria: Invitae Variant Classification Sherloc (09022015). Collection method: clinical testing. Allele origin: germline.
Comment: For these reasons, this variant has been classified as Pathogenic. This variant has not been reported in the literature in individuals affected with EIF2AK3-related conditions. This variant is not present in population databases (gnomAD no frequency). This sequence change creates a premature translational stop signal (p.Lys406Valfs*13) in the EIF2AK3 gene. It is expected to result in an absent or disrupted protein product. Loss-of-function variants in EIF2AK3 are known to be pathogenic (PMID: 11997520).

Literature cited by the submitters: PubMed 11997520.